The following is an entry in ClinVar:

ClinVar aggregate classification (germline): Uncertain significance (1 of 4 stars; one submission).

Conditions:
Aspartylglucosaminuria (AGU). Also called: Aspartylglucos-aminuria; Aspartylglucos-amidase (AGA) deficiency; GLYCOASPARAGINASE; GLYCOSYLASPARAGINASE DEFICIENCY; AGA DEFICIENCY. Identifiers: Orphanet 93, MedGen C0268225, MONDO:0008830, OMIM 208400, HP:0012068.

Submission:

Labcorp Genetics (formerly Invitae), Labcorp
Classification: Uncertain significance for Aspartylglucosaminuria. Last evaluated: 2022-11-01. Review status: criteria provided, single submitter. Criteria: Invitae Variant Classification Sherloc (09022015). Collection method: clinical testing. Allele origin: germline.
Comment: In summary, the available evidence is currently insufficient to determine the role of this variant in disease. Therefore, it has been classified as a Variant of Uncertain Significance. Advanced modeling of protein sequence and biophysical properties (such as structural, functional, and spatial information, amino acid conservation, physicochemical variation, residue mobility, and thermodynamic stability) performed at Invitae indicates that this missense variant is not expected to disrupt AGA protein function. This variant has not been reported in the literature in individuals affected with AGA-related conditions. This variant is not present in population databases (gnomAD no frequency). This sequence change replaces aspartic acid, which is acidic and polar, with tyrosine, which is neutral and polar, at codon 98 of the AGA protein (p.Asp98Tyr).

NM_000027.4(AGA):c.292G>T (p.Asp98Tyr)

Gene: AGA (aspartylglucosaminidase; minus strand). Cytogenetic location: 4q34.3.
Variant type: single nucleotide variant.
Coding change: c.292G>T on transcript NM_000027.4 (MANE Select); coding-DNA position 292, G replaced by T.
Protein change: p.Asp98Tyr; replaces aspartic acid 98 with tyrosine.
Molecular consequence: missense variant. On other transcripts: non-coding transcript variant (1).
Genome position (GRCh38, 1-based): chr4:177,439,678, C>A on the plus strand (G>T on the coding strand, the complement: AGA is on the minus strand). VCF-style: chr4-177439678-C-A. GRCh37 (hg19) VCF-style: chr4-178360832-C-A.
Other names: c.292G>T, p.Asp98Tyr (NM_001171988.2); short protein forms D98Y.
Identifiers: ClinVar variation 2124324 (VCV002124324.4), dbSNP rs1475457077, ClinGen allele CA358783875.